The following is an entry in ClinVar:

ClinVar aggregate classification (germline): Likely benign. Review status: criteria provided, multiple submitters, no conflicts (2 of 4 stars). 3 submissions from 3 submitters: Likely benign (2). 1 of the submissions does not count toward it. Last evaluated 2018-07-11.

Conditions:
MAP4-related disorder. Also called: MAP4-related condition.

Allele frequency attached by ClinVar (database versions not stated): 1000 Genomes Project 0.00020; 1000 Genomes Project 30x 0.00047; ESP Exome Variant Server 0.00062; gnomAD 0.00067 and 0.00071; TOPMed 0.00074; ExAC 0.00093; gnomAD exomes 0.00095 and 0.00127.
gnomAD v4.1: 1,927 of 1,614,192 alleles (0.12%); highest among the groups gnomAD compares: Non-Finnish European, 0.15%; 3 homozygotes.

Submissions (3):

Labcorp Genetics (formerly Invitae), Labcorp
Classification: Likely benign. Last evaluated: 2018-07-11. Review status: criteria provided, single submitter. Criteria: Invitae Variant Classification Sherloc (09022015). Collection method: clinical testing. Allele origin: germline.

Breakthrough Genomics
Classification: Likely benign. Review status: criteria provided, single submitter. Criteria: ACMG Guidelines, 2015. Collection method: not provided. Allele origin: germline. Inheritance: Unknown mechanism. Affected: yes.

PreventionGenetics, part of Exact Sciences
Classification: Likely benign for MAP4-related condition. Last evaluated: 2019-03-01. Review status: no assertion criteria provided. Collection method: clinical testing. Allele origin: germline. Not counted in ClinVar's aggregate classification.
Comment: This variant is classified as likely benign based on ACMG/AMP sequence variant interpretation guidelines (Richards et al. 2015 PMID: 25741868, with internal and published modifications).

NM_001385682.1(MAP4):c.1548G>A (p.Leu516=)

Gene: MAP4 (microtubule associated protein 4; minus strand). Cytogenetic location: 3p21.31.
Variant type: single nucleotide variant.
Coding change: c.1548G>A on transcript NM_001385682.1 (MANE Select); coding-DNA position 1548, G replaced by A.
Protein change: p.Leu516=; no amino-acid change (leucine 516 retained).
Molecular consequence: synonymous variant. On other transcripts: intron variant (10).
Genome position (GRCh38, 1-based): chr3:47,916,279, C>T on the plus strand (G>A on the coding strand, the complement: MAP4 is on the minus strand). VCF-style: chr3-47916279-C-T. GRCh37 (hg19) VCF-style: chr3-47957769-C-T.
Other names: c.1479G>A, p.Leu493= (NM_001384816.1, NM_001384828.1, NM_001384857.1 and 10 more transcripts); c.1548G>A, p.Leu516= (NM_001384819.1, NM_001384820.1, NM_001384824.1 and 41 more transcripts); c.1434G>A, p.Leu478= (NM_001384825.1, NM_001384832.1, NM_001384841.1 and 4 more transcripts); c.1425G>A, p.Leu475= (NM_001384826.1, NM_001384836.1, NM_001384837.1 and 14 more transcripts); c.1458G>A, p.Leu486= (NM_001384834.1, NM_001384874.1, NM_001384892.1); c.1227G>A, p.Leu409= (NM_001384839.1, NM_001384845.1, NM_001384867.1); c.1311G>A, p.Leu437= (NM_001384842.1, NM_001384843.1, NM_001384803.1 and 1 more transcripts); c.1509G>A, p.Leu503= (NM_001384849.1); and 15 more.
Identifiers: ClinVar variation 714945 (VCV000714945.6), dbSNP rs142463147, ClinGen allele CA2371440.